The following is an entry in ClinVar:

NM_015909.4(NBAS):c.2081G>A (p.Arg694Gln)

Gene: NBAS (NBAS subunit of NRZ tethering complex; minus strand). Cytogenetic location: 2p24.3.
Variant type: single nucleotide variant.
Coding change: c.2081G>A on transcript NM_015909.4 (MANE Select); coding-DNA position 2081, G replaced by A.
Protein change: p.Arg694Gln; replaces arginine 694 with glutamine.
Molecular consequence: missense variant. On other transcripts: non-coding transcript variant (1).
Genome position (GRCh38, 1-based): chr2:15,467,345, C>T on the plus strand (G>A on the coding strand, the complement: NBAS is on the minus strand). VCF-style: chr2-15467345-C-T. GRCh37 (hg19) VCF-style: chr2-15607469-C-T.
Other names: short protein forms R694Q.
Identifiers: ClinVar variation 2017015 (VCV002017015.2), dbSNP rs765589221, ClinGen allele CA1536472.
Genomic context (GRCh38, chr2:15,467,345, plus strand): 5'-CAGATCAAATGAACATAATTGGTTTGACAAAAATTATTCATTACCTCATATGTTGCAAGT[C>T]GATCTAAGTAGGTTAATAACTTCCGTCTACAACGGCAAAGTTCCTTTTGTTCCAGTGTCA-3'
Protein context (NP_056993.2, residues 684-704): CRRKLLTYLD[Arg694Gln]LATYEEILGV

ClinVar aggregate classification (germline): Uncertain significance (1 of 4 stars; one submission).

Allele frequency attached by ClinVar (database versions not stated): gnomAD 0.00001; TOPMed 0.00001; ExAC 0.00004.
gnomAD v4.1: 32 of 1,612,162 alleles (0.002%); highest among the groups gnomAD compares: Non-Finnish European, 0.0025%; no homozygotes.

Submission:

Labcorp Genetics (formerly Invitae), Labcorp
Classification: Uncertain significance. Last evaluated: 2023-03-12. Review status: criteria provided, single submitter. Criteria: Invitae Variant Classification Sherloc (09022015). Collection method: clinical testing. Allele origin: germline.
Comment: In summary, the available evidence is currently insufficient to determine the role of this variant in disease. Therefore, it has been classified as a Variant of Uncertain Significance. Advanced modeling of protein sequence and biophysical properties (such as structural, functional, and spatial information, amino acid conservation, physicochemical variation, residue mobility, and thermodynamic stability) performed at Invitae indicates that this missense variant is not expected to disrupt NBAS protein function. ClinVar contains an entry for this variant (Variation ID: 2017015). This variant has not been reported in the literature in individuals affected with NBAS-related conditions. This variant is present in population databases (rs765589221, gnomAD 0.004%). This sequence change replaces arginine, which is basic and polar, with glutamine, which is neutral and polar, at codon 694 of the NBAS protein (p.Arg694Gln).